The following is an entry in ClinVar:

NM_006206.6(PDGFRA):c.1586C>T (p.Ala529Val)

Gene: PDGFRA (platelet derived growth factor receptor alpha; plus strand). Cytogenetic location: 4q12.
Variant type: single nucleotide variant.
Coding change: c.1586C>T on transcript NM_006206.6 (MANE Select); coding-DNA position 1586, C replaced by T.
Protein change: p.Ala529Val; replaces alanine 529 with valine.
Molecular consequence: missense variant.
Genome position (GRCh38, 1-based): chr4:54,274,558, C>T. VCF-style: chr4-54274558-C-T. GRCh37 (hg19) VCF-style: chr4-55140725-C-T.
Other names: c.1586C>T, p.Ala529Val (NM_001347827.2, NM_001347829.2); c.1661C>T, p.Ala554Val (NM_001347828.2); c.1625C>T, p.Ala542Val (NM_001347830.2); short protein forms A542V, A554V, A529V.
Identifiers: ClinVar variation 2453855 (VCV002453855.6), dbSNP rs751285566, ClinGen allele CA2922621.

ClinVar aggregate classification (germline): Uncertain significance. Review status: criteria provided, multiple submitters, no conflicts (2 of 4 stars). 3 submissions from 3 submitters: Uncertain significance (3). Last evaluated 2026-10-01.

Conditions:
Polyps, multiple and recurrent inflammatory fibroid, gastrointestinal. Identifiers: MedGen C5193005, MONDO:0008285, OMIM 175510.
Gastrointestinal stromal tumor. Also called: Gastrointestinal stromal tumor, somatic; Gastrointestinal stroma tumor. Identifiers: Orphanet 44890, MedGen C0238198, MeSH D046152, MONDO:0011719, OMIM 606764, HP:0100723.
Hereditary cancer-predisposing syndrome. Also called: Neoplastic Syndromes, Hereditary; Tumor predisposition; Hereditary Cancer Syndrome; Hereditary neoplastic syndrome. Identifiers: Orphanet 140162, MedGen C0027672, MeSH D009386, MONDO:0015356.

Allele frequency attached by ClinVar (database versions not stated): gnomAD exomes below 0.00001; ExAC 0.00001.
gnomAD v4.1: 1 of 1,613,968 alleles (0.000062%); highest among the groups gnomAD compares: Non-Finnish European, 0.000085%; no homozygotes.

Submissions (3):

St. Jude Molecular Pathology, St. Jude Children's Research Hospital
Classification: Uncertain significance for Polyps, multiple and recurrent inflammatory fibroid, gastrointestinal. Last evaluated: 2026-10-01. Review status: criteria provided, single submitter. Criteria: St. Jude Assertion Criteria 2020. Collection method: clinical testing. Allele origin: germline.
Comment: The PDGFRA c.1586C>T p.(Ala529Val) missense change has a maximum sub population frequency of 0.0008% in gnomAD v2.1.1. The in silico tool REVEL is inconclusive about a pathogenic or benign effect of this variant on protein function, and to our knowledge functional studies have not been performed. To our knowledge, this variant has not been reported in individuals with PDGFRA-related conditions. In summary, the evidence currently available is insufficient to determine the clinical significance of this variant. It has therefore been cla ssified as of uncertain significance (VUS-Low).

Labcorp Genetics (formerly Invitae), Labcorp
Classification: Uncertain significance for Gastrointestinal stromal tumor. Last evaluated: 2022-12-08. Review status: criteria provided, single submitter. Criteria: Invitae Variant Classification Sherloc (09022015). Collection method: clinical testing. Allele origin: germline.
Comment: In summary, the available evidence is currently insufficient to determine the role of this variant in disease. Therefore, it has been classified as a Variant of Uncertain Significance. Advanced modeling of protein sequence and biophysical properties (such as structural, functional, and spatial information, amino acid conservation, physicochemical variation, residue mobility, and thermodynamic stability) performed at Invitae indicates that this missense variant is not expected to disrupt PDGFRA protein function. This variant has not been reported in the literature in individuals affected with PDGFRA-related conditions. This variant is present in population databases (rs751285566, gnomAD 0.0009%). This sequence change replaces alanine, which is neutral and non-polar, with valine, which is neutral and non-polar, at codon 529 of the PDGFRA protein (p.Ala529Val).

Ambry Genetics
Classification: Uncertain significance for Hereditary cancer-predisposing syndrome. Last evaluated: 2022-12-03. Review status: criteria provided, single submitter. Criteria: Ambry Variant Classification Scheme 2023. Collection method: clinical testing. Allele origin: germline.
Comment: The p.A529V variant (also known as c.1586C>T), located in coding exon 10 of the PDGFRA gene, results from a C to T substitution at nucleotide position 1586. The alanine at codon 529 is replaced by valine, an amino acid with similar properties. This amino acid position is conserved. In addition, the in silico prediction for this alteration is inconclusive. Since supporting evidence is limited at this time, the clinical significance of this alteration remains unclear.